The following is an entry in ClinVar:

NM_000052.7(ATP7A):c.2422G>T (p.Ala808Ser)

Gene: ATP7A (ATPase copper transporting alpha; plus strand). Cytogenetic location: Xq21.1.
Variant type: single nucleotide variant.
Coding change: c.2422G>T on transcript NM_000052.7 (MANE Select); coding-DNA position 2422, G replaced by T.
Protein change: p.Ala808Ser; replaces alanine 808 with serine.
Molecular consequence: missense variant.
Genome position (GRCh38, 1-based): chrX:78,014,677, G>T. VCF-style: chrX-78014677-G-T. GRCh37 (hg19) VCF-style: chrX-77270174-G-T.
Other names: c.2188G>T, p.Ala730Ser (NM_001282224.2); short protein forms A730S, A808S.
Identifiers: ClinVar variation 2161878 (VCV002161878.4), dbSNP rs2522358839, ClinGen allele CA413599831.
Genomic context (GRCh38, chrX:78,014,677, plus strand): 5'-CTTTTTCTTCCTTAGCATTTTCAATGTGTTTGTTTTAATTTATAGGGCAAAACATCAGAG[G>T]CTCTTGCAAAGTTAATTTCACTACAAGCTACAGAAGCAACTATTGTAACTCTTGATTCTG-3'
Protein context (NP_000043.4, residues 798-818): EHIAKGKTSE[Ala808Ser]LAKLISLQAT

ClinVar aggregate classification (germline): Uncertain significance (1 of 4 stars; one submission).

Conditions:
Menkes kinky-hair syndrome (MNK). Also called: Copper transport disease; Menkes Disease; Classic Menkes Disease. Identifiers: Orphanet 565, MedGen C0022716, MONDO:0010651, OMIM 309400.
Cutis laxa, X-linked (OHS). Also called: EDS IX; Occipital horn syndrome. Identifiers: Orphanet 198, MedGen C0268353, MONDO:0010572, OMIM 304150.
X-linked distal spinal muscular atrophy type 3. Also called: SPINAL MUSCULAR ATROPHY, DISTAL, X-LINKED RECESSIVE; NEURONOPATHY, DISTAL HEREDITARY MOTOR, X-LINKED; NEUROPATHY, DISTAL HEREDITARY MOTOR, X-LINKED; ATP7A-Related Distal Motor Neuropathy. Identifiers: Orphanet 139557, MedGen C1845359, MONDO:0010338, OMIM 300489.

Submission:

Labcorp Genetics (formerly Invitae), Labcorp
Classification: Uncertain significance for X-linked distal spinal muscular atrophy type 3; Cutis laxa, X-linked; Menkes kinky-hair syndrome. Last evaluated: 2022-10-03. Review status: criteria provided, single submitter. Criteria: Invitae Variant Classification Sherloc (09022015). Collection method: clinical testing. Allele origin: germline.
Comment: In summary, the available evidence is currently insufficient to determine the role of this variant in disease. Therefore, it has been classified as a Variant of Uncertain Significance. Advanced modeling of protein sequence and biophysical properties (such as structural, functional, and spatial information, amino acid conservation, physicochemical variation, residue mobility, and thermodynamic stability) performed at Invitae indicates that this missense variant is not expected to disrupt ATP7A protein function. This variant has not been reported in the literature in individuals affected with ATP7A-related conditions. This variant is not present in population databases (gnomAD no frequency). This sequence change replaces alanine, which is neutral and non-polar, with serine, which is neutral and polar, at codon 808 of the ATP7A protein (p.Ala808Ser).